The following is an entry in ClinVar:

ClinVar aggregate classification (germline): Likely pathogenic. Review status: criteria provided, multiple submitters, no conflicts (2 of 4 stars). 5 submissions from 5 submitters: Likely pathogenic (5). Last evaluated 2025-03-30.

Conditions:
Hereditary cancer-predisposing syndrome. Also called: Tumor predisposition; Hereditary Cancer Syndrome; Hereditary neoplastic syndrome; Neoplastic Syndromes, Hereditary. Identifiers: Orphanet 140162, MedGen C0027672, MeSH D009386, MONDO:0015356.
Melanoma and neural system tumor syndrome. Also called: MELANOMA-ASTROCYTOMA SYNDROME. Identifiers: Orphanet 252206, MedGen C1835042, MONDO:0007967, OMIM 155755.
Familial melanoma. Also called: Hereditary melanoma; Hereditary cutaneous melanoma. Identifiers: Orphanet 618, MedGen C1512419, MONDO:0018961.

Submissions (5):

Labcorp Genetics (formerly Invitae), Labcorp
Classification: Likely pathogenic for Familial melanoma. Last evaluated: 2025-03-30. Review status: criteria provided, single submitter. Criteria: Invitae Variant Classification Sherloc (09022015). Collection method: clinical testing. Allele origin: germline.
Comment: This sequence change replaces glycine, which is neutral and non-polar, with cysteine, which is neutral and slightly polar, at codon 23 of the CDKN2A (p16INK4a) protein (p.Gly23Cys). This variant is not present in population databases (gnomAD no frequency). This missense change has been observed in individual(s) with melanoma (PMID: 12001124, 21462282; internal data). ClinVar contains an entry for this variant (Variation ID: 429109). An algorithm developed to predict the effect of missense changes on protein structure and function (PolyPhen-2) suggests that this variant is likely to be disruptive. Experimental studies have shown that this missense change affects CDKN2A (p16INK4a) function (PMID: 24659262). This variant disrupts the p.Gly23 amino acid residue in CDKN2A (p16INK4a). Other variant(s) that disrupt this residue have been determined to be pathogenic (PMID: 9425228, 17992122, 19260062, 19712690, 20340136, 21462282, 24659262). This suggests that this residue is clinically significant, and that variants that disrupt this residue are likely to be disease-causing. In summary, the currently available evidence indicates that the variant is pathogenic, but additional data are needed to prove that conclusively. Therefore, this variant has been classified as Likely Pathogenic.

Ambry Genetics
Classification: Likely pathogenic for Hereditary cancer-predisposing syndrome. Last evaluated: 2024-11-26. Review status: criteria provided, single submitter. Criteria: Ambry Variant Classification Scheme 2023. Collection method: clinical testing. Allele origin: germline.
Comment: The p.G23C variant (also known as c.67G>T), located in coding exon 1 of the CDKN2A gene, results from a G to T substitution at nucleotide position 67. The glycine at codon 23 is replaced by cysteine, an amino acid with highly dissimilar properties. This variant has been detected in multiple individuals with personal and family histories of melanoma (Blackwood MA et al. Cancer 2002 Apr; 94(8):2248-55; Ambry internal data). This variant is predicted to be likely deleterious using a combination of in silico analyses and results of a proliferation assay consistent with loss of protein function (Scaini MC et al. Hum. Mutat. 2014 Jul;35(7):828-40). In addition, structural analysis predicts that the p.G23C variant results in severe perturbation of the protein, likely resulting in misfolding and loss of binding (Ambry internal data). This variant is considered to be rare based on population cohorts in the Genome Aggregation Database (gnomAD). This amino acid position is highly conserved in available vertebrate species. In addition, this alteration is predicted to be deleterious by in silico analysis. Based on the majority of available evidence to date, this variant is likely to be pathogenic.

Color Diagnostics, LLC DBA Color Health
Classification: Likely pathogenic for Hereditary cancer-predisposing syndrome. Last evaluated: 2024-07-24. Review status: criteria provided, single submitter. Criteria: ACMG Guidelines, 2015. Collection method: clinical testing. Allele origin: germline.
Comment: The CDKN2A locus encodes two different gene products, p16INK4a and p14ARF. This missense variant replaces glycine with cysteine at codon 23 of the CDKN2A (p16INK4A) protein. Computational prediction suggests that this variant may have deleterious impact on protein structure and function. A functional study has shown that this variant caused loss of function in a cellular proliferation assay (PMID: 24659262). This variant has been reported in individuals affected with multiple primary melanoma and pancreatic cancer (PMID: 12001124, 21462282, 38961426). This variant has not been identified in the general population by the Genome Aggregation Database (gnomAD). Different missense variants occurring at the same codon (p.Gly23Asp, p.Gly23Arg, and p.Gly23Ser) are known to be disease-causing (ClinVar variation ID: 420108, 429108, 826633). Based on the available evidence, this variant is classified as Likely Pathogenic.

Women's Health and Genetics/Laboratory Corporation of America, LabCorp
Classification: Likely pathogenic for Familial melanoma. Last evaluated: 2023-10-30. Review status: criteria provided, single submitter. Criteria: LabCorp Variant Classification Summary - May 2015. Collection method: clinical testing. Allele origin: germline.
Comment: Variant summary: CDKN2A c.67G>T (p.Gly23Cys) results in a non-conservative amino acid change in the encoded protein sequence. Five of five in-silico tools predict a damaging effect of the variant on protein function. The variant was absent in 235382 control chromosomes. c.67G>T has been reported in the literature in at least one individual affected with multiple primary melanoma (e.g., Blackwood_2012, Miller_2011). At least one publication reported experimental evidence evaluating an impact on protein function, and demonstrated that this variant results in increased cellular proliferation, indicating a loss of p16 (INK4A) function (e.g., Scaini_2014). The following publications have been ascertained in the context of this evaluation (PMID: 12001124, 21462282, 24659262). Three submitters have reported clinical-significance assessments for this variant to ClinVar after 2014; two submitters classified the variant as likely pathogenic and one submitter classified the variant as uncertain significance. Additionally, several other different missense variants affecting the same codon, including p.Gly23Arg, p.Gly23Ser, and p.Gly23Asp, have been reported in affected individuals (PMIDs: 17992122, 9425228, 32482799) and experimental studies suggest that several of these missense variants disupt protein function (PMID: 24659262). Based on the evidence outlined above, the variant was classified as likely pathogenic.

Baylor Genetics
Classification: Likely pathogenic for Melanoma and neural system tumor syndrome. Last evaluated: 2023-06-01. Review status: criteria provided, single submitter. Criteria: ACMG Guidelines, 2015. Collection method: clinical testing. Allele origin: unknown.

Literature cited by the submitters: PubMed 12001124 (cited by 4 submitters); PubMed 21462282 (cited by 3 submitters); PubMed 24659262 (cited by 4 submitters); PubMed 9425228 (cited by Labcorp Genetics (formerly Invitae), Labcorp); PubMed 17992122 (cited by Labcorp Genetics (formerly Invitae), Labcorp); PubMed 19260062 (cited by Labcorp Genetics (formerly Invitae), Labcorp); PubMed 19712690 (cited by Labcorp Genetics (formerly Invitae), Labcorp); PubMed 20340136 (cited by Labcorp Genetics (formerly Invitae), Labcorp); PubMed 38961426 (cited by Color Diagnostics, LLC DBA Color Health).

NM_000077.5(CDKN2A):c.67G>T (p.Gly23Cys)

Gene: CDKN2A (cyclin dependent kinase inhibitor 2A; minus strand). Cytogenetic location: 9p21.3.
Variant type: single nucleotide variant.
Coding change: c.67G>T on transcript NM_000077.5; coding-DNA position 67, G replaced by T.
Protein change: p.Gly23Cys; replaces glycine 23 with cysteine.
Molecular consequence: missense variant (on NM_000077.6). On other transcripts: intron variant (2).
Genome position (GRCh38, 1-based): chr9:21,974,761, C>A on the plus strand (G>T on the coding strand, the complement: CDKN2A is on the minus strand). VCF-style: chr9-21974761-C-A. GRCh37 (hg19) VCF-style: chr9-21974760-C-A.
Other names: c.67G>T, p.Gly23Cys (NM_000077.6, NM_001195132.2, NM_058197.5); c.-3-3553G>T (NM_001363763.2); c.194-3553G>T (NM_058195.4); short protein forms G23C.
Identifiers: ClinVar variation 429109 (VCV000429109.20), dbSNP rs1131691186, ClinGen allele CA373086620.
Genomic context (GRCh38, chr9:21,974,761, plus strand): 5'-TATTCGGTGCGTTGGGCAGCGCCCCCGCCTCCAGCAGCGCCCGCACCTCCTCTACCCGAC[C>A]CCGGGCCGCGGCCGTGGCCAGCCAGTCAGCCGAAGGCTCCATGCTGCTCCCCGCCGCCGG-3'
Protein context (NP_000068.1, residues 13-33): ADWLATAAAR[Gly23Cys]RVEEVRALLE